The following is an entry in ClinVar:

NM_006648.4(WNK2):c.317G>T (p.Gly106Val)

Gene: WNK2 (WNK lysine deficient protein kinase 2; plus strand). Cytogenetic location: 9q22.31.
Variant type: single nucleotide variant.
Coding change: c.317G>T on transcript NM_006648.4 (MANE Select); coding-DNA position 317, G replaced by T.
Protein change: p.Gly106Val; replaces glycine 106 with valine.
Molecular consequence: missense variant.
Genome position (GRCh38, 1-based): chr9:93,185,246, G>T. VCF-style: chr9-93185246-G-T. GRCh37 (hg19) VCF-style: chr9-95947528-G-T.
Other names: c.317G>T, p.Gly106Val (NM_001282394.3); short protein forms G106V.
Identifiers: ClinVar variation 4201658 (VCV004201658.1).

ClinVar aggregate classification (germline): Uncertain significance (1 of 4 stars; one submission).

gnomAD v4.1: 2 of 1,229,456 alleles (0.00016%); highest among the groups gnomAD compares: Non-Finnish European, 0.0002%; no homozygotes.

Submission:

Ambry Genetics
Classification: Uncertain significance. Last evaluated: 2025-07-25. Review status: criteria provided, single submitter. Criteria: Ambry Variant Classification Scheme 2023. Collection method: clinical testing. Allele origin: germline.
Comment: The p.G106V variant (also known as c.317G>T), located in coding exon 1 of the WNK2 gene, results from a G to T substitution at nucleotide position 317. The glycine at codon 106 is replaced by valine, an amino acid with dissimilar properties. This amino acid position is conserved. In addition, this alteration is predicted to be tolerated by in silico analysis. Based on the available evidence, the clinical significance of this variant remains unclear.